The following is an entry in ClinVar:

NM_145207.3(AFG2A):c.1458+1G>A

Gene: AFG2A (AAA ATPase AFG2A; plus strand). Cytogenetic location: 4q28.1.
Variant type: single nucleotide variant.
Coding change: c.1458+1G>A on transcript NM_145207.3 (MANE Select); the canonical splice donor site of the intron after coding-DNA position 1458, G replaced by A.
Molecular consequence: splice donor variant.
Genome position (GRCh38, 1-based): chr4:122,938,250, G>A. VCF-style: chr4-122938250-G-A. GRCh37 (hg19) VCF-style: chr4-123859405-G-A.
Other names: c.1455+1G>A (NM_001345856.2, NM_001317799.2).
Identifiers: ClinVar variation 1496113 (VCV001496113.5), dbSNP rs777112022, ClinGen allele CA3070457.

ClinVar aggregate classification (germline): Likely pathogenic (1 of 4 stars; one submission).

Conditions:
Microcephaly-intellectual disability-sensorineural hearing loss-epilepsy-abnormal muscle tone syndrome (NEDHSB). Also called: NEURODEVELOPMENTAL DISORDER WITH HEARING LOSS, SEIZURES, AND BRAIN ABNORMALITIES. Identifiers: Orphanet 457351, MedGen C4225276, MONDO:0014698, OMIM 616577.

Allele frequency attached by ClinVar (database versions not stated): ExAC 0.00001.

Submission:

Labcorp Genetics (formerly Invitae), Labcorp
Classification: Likely pathogenic for Microcephaly-intellectual disability-sensorineural hearing loss-epilepsy-abnormal muscle tone syndrome. Last evaluated: 2022-09-01. Review status: criteria provided, single submitter. Criteria: Invitae Variant Classification Sherloc (09022015). Collection method: clinical testing. Allele origin: germline.
Comment: In summary, the currently available evidence indicates that the variant is pathogenic, but additional data are needed to prove that conclusively. Therefore, this variant has been classified as Likely Pathogenic. Algorithms developed to predict the effect of sequence changes on RNA splicing suggest that this variant may disrupt the consensus splice site. ClinVar contains an entry for this variant (Variation ID: 1496113). This variant has not been reported in the literature in individuals affected with SPATA5-related conditions. This variant is present in population databases (rs777112022, gnomAD 0.0009%). This sequence change affects a donor splice site in intron 8 of the SPATA5 gene. It is expected to disrupt RNA splicing. Variants that disrupt the donor or acceptor splice site typically lead to a loss of protein function (PMID: 16199547), and loss-of-function variants in SPATA5 are known to be pathogenic (PMID: 26299366).

Literature cited by the submitters: PubMed 16199547; PubMed 26299366.